The following is an entry in ClinVar:

ClinVar aggregate classification (germline): Benign/Likely benign. Review status: criteria provided, multiple submitters, no conflicts (2 of 4 stars). 3 submissions from 3 submitters: Benign (1); Likely benign (1). 1 of the submissions does not count toward it. Last evaluated 2026-03-01.

Conditions:
KMT2D-related disorder. Also called: KMT2D-Related Disorders.
Kabuki syndrome. Also called: Kabuki make-up syndrome; NIIKAWA-KUROKI SYNDROME. Identifiers: Orphanet 2322, MedGen C0796004, MONDO:0016512.

Allele frequency attached by ClinVar (database versions not stated): gnomAD exomes below 0.00001 and 0.00002; ExAC 0.00001; gnomAD 0.00001; TOPMed 0.00002.
gnomAD v4.1: 29 of 1,613,452 alleles (0.0018%); highest among the groups gnomAD compares: Non-Finnish European, 0.0022%; no homozygotes.

Submissions (3):

CeGaT Center for Human Genetics Tuebingen
Classification: Likely benign. Last evaluated: 2026-03-01. Review status: criteria provided, single submitter. Criteria: CeGaT Center For Human Genetics Tuebingen Variant Classification Criteria Version 2. Collection method: clinical testing. Allele origin: germline. Affected: yes. Observed: 1 variant allele.
Comment: KMT2D: BP4

Labcorp Genetics (formerly Invitae), Labcorp
Classification: Benign for Kabuki syndrome. Last evaluated: 2025-02-10. Review status: criteria provided, single submitter. Criteria: Invitae Variant Classification Sherloc (09022015). Collection method: clinical testing. Allele origin: germline.

PreventionGenetics, part of Exact Sciences
Classification: Uncertain significance for KMT2D-related condition. Last evaluated: 2024-06-14. Review status: no assertion criteria provided. Collection method: clinical testing. Allele origin: germline. Not counted in ClinVar's aggregate classification.
Comment: The KMT2D c.1531C>T variant is predicted to result in the amino acid substitution p.Pro511Ser. To our knowledge, this variant has not been reported in the literature. This variant is reported in 0.0029% of alleles in individuals of Latino descent in gnomAD. At this time, the clinical significance of this variant is uncertain due to the absence of conclusive functional and genetic evidence.

NM_003482.4(KMT2D):c.1531C>T (p.Pro511Ser)

Gene: KMT2D (lysine methyltransferase 2D; minus strand). Cytogenetic location: 12q13.12.
Variant type: single nucleotide variant.
Coding change: c.1531C>T on transcript NM_003482.4 (MANE Select); coding-DNA position 1531, C replaced by T.
Protein change: p.Pro511Ser; replaces proline 511 with serine.
Molecular consequence: missense variant.
Genome position (GRCh38, 1-based): chr12:49,052,152, G>A on the plus strand (C>T on the coding strand, the complement: KMT2D is on the minus strand). VCF-style: chr12-49052152-G-A. GRCh37 (hg19) VCF-style: chr12-49445935-G-A.
Other names: c.1531C>T (NM_003482.3); short protein forms P511S.
Identifiers: ClinVar variation 1504364 (VCV001504364.13), dbSNP rs750950395, ClinGen allele CA6548464.